The following is an entry in ClinVar:

NM_003124.5(SPR):c.356A>C (p.Gln119Pro)

Gene: SPR (sepiapterin reductase; plus strand). Cytogenetic location: 2p13.2.
Variant type: single nucleotide variant.
Coding change: c.356A>C on transcript NM_003124.5 (MANE Select); coding-DNA position 356, A replaced by C.
Protein change: p.Gln119Pro; replaces glutamine 119 with proline.
Molecular consequence: missense variant.
Genome position (GRCh38, 1-based): chr2:72,888,365, A>C. VCF-style: chr2-72888365-A-C. GRCh37 (hg19) VCF-style: chr2-73115494-A-C.
Other names: short protein forms Q119P.
Identifiers: ClinVar variation 2745178 (VCV002745178.1), dbSNP rs771123122, ClinGen allele CA1708938.

ClinVar aggregate classification (germline): Uncertain significance (1 of 4 stars; one submission).

Conditions:
Dystonic disorder. Also called: Dystonia. Identifiers: MedGen C0013421, MONDO:0003441, HP:0001332.

Allele frequency attached by ClinVar (database versions not stated): TOPMed below 0.00001; ExAC 0.00001; gnomAD 0.00001; gnomAD exomes 0.00001.

Submission:

Labcorp Genetics (formerly Invitae), Labcorp
Classification: Uncertain significance for Dystonic disorder. Last evaluated: 2023-04-11. Review status: criteria provided, single submitter. Criteria: Invitae Variant Classification Sherloc (09022015). Collection method: clinical testing. Allele origin: germline.
Comment: In summary, the available evidence is currently insufficient to determine the role of this variant in disease. Therefore, it has been classified as a Variant of Uncertain Significance. Advanced modeling of protein sequence and biophysical properties (such as structural, functional, and spatial information, amino acid conservation, physicochemical variation, residue mobility, and thermodynamic stability) performed at Invitae indicates that this missense variant is not expected to disrupt SPR protein function. This variant has not been reported in the literature in individuals affected with SPR-related conditions. This variant is present in population databases (rs771123122, gnomAD 0.002%). This sequence change replaces glutamine, which is neutral and polar, with proline, which is neutral and non-polar, at codon 119 of the SPR protein (p.Gln119Pro).